The following is an entry in ClinVar:

NM_001024845.3(SLC6A9):c.31-765G>C

Gene: SLC6A9 (solute carrier family 6 member 9; minus strand). Cytogenetic location: 1p34.1.
Variant type: single nucleotide variant.
Coding change: c.31-765G>C on transcript NM_001024845.3 (MANE Select); 765 bases into the intron before coding-DNA position 31, G replaced by C.
Molecular consequence: intron variant. On other transcripts: missense variant (1).
Genome position (GRCh38, 1-based): chr1:44,011,647, C>G on the plus strand (G>C on the coding strand, the complement: SLC6A9 is on the minus strand). VCF-style: chr1-44011647-C-G. GRCh37 (hg19) VCF-style: chr1-44477319-C-G.
Other names: c.163G>C, p.Glu55Gln (NM_201649.4); c.-14-3024G>C (NM_001328630.2, NM_001328626.2); c.31-765G>C (NM_001328629.1); c.125-3024G>C (NM_001328628.1); c.125-1551G>C (NM_001328627.1); c.88-765G>C (NM_001261380.2, NM_006934.4); short protein forms E55Q.
Identifiers: ClinVar variation 2095025 (VCV002095025.4), dbSNP rs747100912, ClinGen allele CA817933.
Genomic context (GRCh38, chr1:44,011,647, plus strand): 5'-CCATGAGTTGGGGAAGGAGACCAGAGTTGTAGGCCCCATGCCAGACTTTGAGGACAGACT[C>G]TGCTAGGGAAGTAGAGGGAGTGGCTCCAGAAAAGGGTGGCAGGAAGAAGGATCTCTGAAC-3'

ClinVar aggregate classification (germline): Uncertain significance (1 of 4 stars; one submission).

Conditions:
Atypical glycine encephalopathy. Also called: Glycine encephalopathy with normal serum glycine. Identifiers: Orphanet 289863, MedGen C4310943, MONDO:0015010, OMIM 617301.

Allele frequency attached by ClinVar (database versions not stated): gnomAD exomes below 0.00001; ExAC 0.00001.
gnomAD v4.1: 2 of 1,614,068 alleles (0.00012%); highest among the groups gnomAD compares: South Asian, 0.0011%; no homozygotes.

Submission:

Labcorp Genetics (formerly Invitae), Labcorp
Classification: Uncertain significance for Atypical glycine encephalopathy. Last evaluated: 2022-02-08. Review status: criteria provided, single submitter. Criteria: Invitae Variant Classification Sherloc (09022015). Collection method: clinical testing. Allele origin: germline.
Comment: In summary, the available evidence is currently insufficient to determine the role of this variant in disease. Therefore, it has been classified as a Variant of Uncertain Significance. Algorithms developed to predict the effect of missense changes on protein structure and function are either unavailable or do not agree on the potential impact of this missense change (SIFT: "Deleterious"; PolyPhen-2: "Benign"; Align-GVGD: "Class C0"). This variant has not been reported in the literature in individuals affected with SLC6A9-related conditions. The frequency data for this variant in the population databases is considered unreliable, as metrics indicate poor data quality at this position in the gnomAD database. This sequence change replaces glutamic acid, which is acidic and polar, with glutamine, which is neutral and polar, at codon 55 of the SLC6A9 protein (p.Glu55Gln).